The following is an entry in ClinVar:

ClinVar aggregate classification (germline): Uncertain significance. Review status: criteria provided, multiple submitters, no conflicts (2 of 4 stars). 2 submissions from 2 submitters: Uncertain significance (2). Last evaluated 2025-12-28.

Conditions:
RYR3-related disorder. Also called: RYR3-related condition.

gnomAD v4.1: 11 of 1,601,740 alleles (0.00069%); highest among the groups gnomAD compares: East Asian, 0.016%; no homozygotes.

Submissions (2):

PreventionGenetics, part of Exact Sciences
Classification: Uncertain significance for RYR3-related condition. Last evaluated: 2025-12-28. Review status: criteria provided, single submitter. Criteria: ACMG Guidelines, 2015. Collection method: clinical testing. Allele origin: germline.
Comment: The RYR3 c.13259T>C variant is predicted to result in the amino acid substitution p.Val4420Ala. To our knowledge, this variant has not been reported in the literature. This variant is reported in 0.0069% of alleles in individuals of African descent in gnomAD. At this time, the clinical significance of this variant is uncertain due to the absence of conclusive functional and genetic evidence.

Ambry Genetics
Classification: Uncertain significance. Last evaluated: 2024-10-21. Review status: criteria provided, single submitter. Criteria: Ambry Variant Classification Scheme 2023. Collection method: clinical testing. Allele origin: germline.

NM_001036.6(RYR3):c.13259T>C (p.Val4420Ala)

Gene: RYR3 (ryanodine receptor 3; plus strand). Cytogenetic location: 15q14.
Variant type: single nucleotide variant.
Coding change: c.13259T>C on transcript NM_001036.6 (MANE Select); coding-DNA position 13259, T replaced by C.
Protein change: p.Val4420Ala; replaces valine 4420 with alanine.
Molecular consequence: missense variant.
Genome position (GRCh38, 1-based): chr15:33,843,537, T>C. VCF-style: chr15-33843537-T-C. GRCh37 (hg19) VCF-style: chr15-34135738-T-C.
Other names: c.13259T>C (NM_001036.4); c.13244T>C, p.Val4415Ala (NM_001243996.4); short protein forms V4420A, V4415A.
Identifiers: ClinVar variation 3436671 (VCV003436671.2).
Genomic context (GRCh38, chr15:33,843,537, plus strand): 5'-TTTCTTTGCAGCATTACCTGGCCAGGAATTTCTACAACCTGAGGTTCCTTGCTCTGTTTG[T>C]AGCCTTCGCTATCAACTTCATCCTGCTTTTTTATAAGGTGATACTTCATTCAGGGGTTAT-3'
Protein context (NP_001027.3, residues 4410-4430): FYNLRFLALF[Val4420Ala]AFAINFILLF